The following is an entry in ClinVar:

NM_024426.6(WT1):c.1463G>A (p.Ser488Asn)

Gene: WT1 (WT1 transcription factor; minus strand). Cytogenetic location: 11p13.
Variant type: single nucleotide variant.
Coding change: c.1463G>A on transcript NM_024426.6 (MANE Select); coding-DNA position 1463, G replaced by A.
Protein change: p.Ser488Asn; replaces serine 488 with asparagine.
Molecular consequence: missense variant. On other transcripts: non-coding transcript variant (1).
Genome position (GRCh38, 1-based): chr11:32,389,164, C>T on the plus strand (G>A on the coding strand, the complement: WT1 is on the minus strand). VCF-style: chr11-32389164-C-T. GRCh37 (hg19) VCF-style: chr11-32410710-C-T.
Other names: c.1403G>A, p.Ser468Asn (NM_000378.6); c.803G>A, p.Ser268Asn (NM_001198551.2); c.761G>A, p.Ser254Asn (NM_001198552.2); c.275G>A, p.Ser92Asn (NM_001367854.1); c.1448G>A, p.Ser483Asn (NM_001407044.1); c.1412G>A, p.Ser471Asn (NM_001407045.1); c.1370G>A, p.Ser457Asn (NM_001407046.1); c.1331G>A, p.Ser444Asn (NM_001407047.1); and 6 more; short protein forms S268N, S254N, S488N, S468N, S485N, S92N, S444N, S466N.
Identifiers: ClinVar variation 78335 (VCV000078335.11), dbSNP rs267602849, ClinGen allele CA219471729.

ClinVar aggregate classification (germline): Conflicting classifications of pathogenicity. Review status: criteria provided, conflicting classifications (1 of 4 stars). 2 submissions from 2 submitters: Uncertain significance (1); Likely benign (1). Last evaluated 2025-07-30.

Conditions:
Drash syndrome (DDS). Also called: NEPHROPATHY, WILMS TUMOR, AND GENITAL ANOMALIES; WILMS TUMOR AND PSEUDO- OR TRUE HERMAPHRODITISM. Identifiers: Orphanet 220, MedGen C0950121, MONDO:0008682, OMIM 194080.
Wilms tumor 1 (WT1). Also called: Wilms tumor, somatic. Identifiers: Orphanet 654, MedGen CN033288, MONDO:0008679, OMIM 194070.
11p partial monosomy syndrome (WAGR). Also called: WAGR Spectrum Disorder; CHROMOSOME 11p13 DELETION SYNDROME; WAGR syndrome; WAGR Complex. Identifiers: Orphanet 893, MedGen C0206115, MONDO:0008681, OMIM 194072.
Frasier syndrome. Identifiers: Orphanet 347, MedGen C0950122, MeSH D052159, MONDO:0007635, OMIM 136680.
Inborn genetic diseases. Identifiers: MedGen C0950123, MeSH D030342.

gnomAD v4.1: 11 of 1,614,130 alleles (0.00068%); highest among the groups gnomAD compares: Non-Finnish European, 0.00093%; no homozygotes.

Submissions (2):

Labcorp Genetics (formerly Invitae), Labcorp
Classification: Uncertain significance for Wilms tumor 1; Drash syndrome; 11p partial monosomy syndrome; Frasier syndrome. Last evaluated: 2025-07-30. Review status: criteria provided, single submitter. Criteria: Invitae Variant Classification Sherloc (09022015). Collection method: clinical testing. Allele origin: germline.
Comment: This sequence change replaces serine, which is neutral and polar, with asparagine, which is neutral and polar, at codon 483 of the WT1 protein (p.Ser483Asn). This variant is not present in population databases (gnomAD no frequency). This variant has not been reported in the literature in individuals affected with WT1-related conditions. ClinVar contains an entry for this variant (Variation ID: 78335). Invitae Evidence Modeling of protein sequence and biophysical properties (such as structural, functional, and spatial information, amino acid conservation, physicochemical variation, residue mobility, and thermodynamic stability) indicates that this missense variant is not expected to disrupt WT1 protein function with a negative predictive value of 95%. In summary, the available evidence is currently insufficient to determine the role of this variant in disease. Therefore, it has been classified as a Variant of Uncertain Significance.

Ambry Genetics
Classification: Likely benign for Inborn genetic diseases. Last evaluated: 2025-03-11. Review status: criteria provided, single submitter. Criteria: Ambry Variant Classification Scheme 2023. Collection method: clinical testing. Allele origin: germline.